The following is an entry in ClinVar:

NM_016628.5(WAC):c.581C>G (p.Ala194Gly)

Gene: WAC (WW domain containing adaptor with coiled-coil; plus strand). Cytogenetic location: 10p12.1.
Variant type: single nucleotide variant.
Coding change: c.581C>G on transcript NM_016628.5 (MANE Select); coding-DNA position 581, C replaced by G.
Protein change: p.Ala194Gly; replaces alanine 194 with glycine.
Molecular consequence: missense variant.
Genome position (GRCh38, 1-based): chr10:28,590,803, C>G. VCF-style: chr10-28590803-C-G. GRCh37 (hg19) VCF-style: chr10-28879732-C-G.
Other names: c.446C>G, p.Ala149Gly (NM_100264.3); c.581C>G, p.Ala194Gly (NM_100486.4); short protein forms A149G, A194G.
Identifiers: ClinVar variation 3774229 (VCV003774229.1).

ClinVar aggregate classification (germline): Uncertain significance (1 of 4 stars; one submission).

Submission:

GeneDx
Classification: Uncertain significance. Last evaluated: 2024-09-23. Review status: criteria provided, single submitter. Criteria: GeneDx Variant Classification Process June 2021. Collection method: clinical testing. Allele origin: germline. Affected: yes.
Comment: Not observed at significant frequency in large population cohorts (gnomAD); In silico analysis indicates that this missense variant does not alter protein structure/function; Has not been previously published as pathogenic or benign to our knowledge